The following is an entry in ClinVar:

NM_002905.5(RDH5):c.355G>A (p.Gly119Arg)

Genes: BLOC1S1-RDH5 (BLOC1S1-RDH5 readthrough; plus strand), RDH5 (retinol dehydrogenase 5; plus strand). Cytogenetic location: 12q13.2.
Variant type: single nucleotide variant.
Coding change: c.355G>A on transcript NM_002905.5 (MANE Select); coding-DNA position 355, G replaced by A.
Protein change: p.Gly119Arg; replaces glycine 119 with arginine.
Molecular consequence: missense variant. On other transcripts: non-coding transcript variant (1).
Genome position (GRCh38, 1-based): chr12:55,721,733, G>A. VCF-style: chr12-55721733-G-A. GRCh37 (hg19) VCF-style: chr12-56115517-G-A.
Other names: c.355G>A (NM_001199771.2); c.355G>A, p.Gly119Arg (NM_001199771.3); short protein forms G119R.
Identifiers: ClinVar variation 1359090 (VCV001359090.7), dbSNP rs778777287, ClinGen allele CA6616820.

ClinVar aggregate classification (germline): Conflicting classifications of pathogenicity. Review status: criteria provided, conflicting classifications (1 of 4 stars). 4 submissions from 4 submitters: Likely pathogenic (1); Uncertain significance (3). Last evaluated 2025-04-16.

Conditions:
Pigmentary retinal dystrophy. Also called: Fundus albipunctatus. Identifiers: Orphanet 227796, Orphanet 52427, MedGen C0311338, MONDO:0007639, OMIM 136880, HP:0030642.
Retinal dystrophy. Also called: Inherited retinal dystrophy. Identifiers: Orphanet 71862, MedGen C0854723, MeSH D058499, MONDO:0019118, HP:0000556.

Allele frequency attached by ClinVar (database versions not stated): ExAC 0.00001; gnomAD 0.00001; TOPMed 0.00001; gnomAD exomes 0.00002.
gnomAD v4.1: 18 of 1,613,206 alleles (0.0011%); highest among the groups gnomAD compares: Admixed American, 0.005%; no homozygotes.

Submissions (4):

OLLIN Analises Genomicas, OLLIN
Classification: Uncertain significance for Pigmentary retinal dystrophy. Last evaluated: 2025-04-16. Review status: criteria provided, single submitter. Criteria: ACMG Guidelines 2015 PMID 25741868. Collection method: clinical testing. Allele origin: germline. Affected: yes. Observed: 1 variant allele.
Comment: The missense variant (chr12:55721733G>A), located in exon 3 (of 5) and not described in the scientific literature, is reported in gnomAD v4.1 non-UKB with an allele frequency of 0.0015% (no homozygotes) and in ClinVar (VCV001359090.5) in compound heterozygosity with a pathogenic variant in at least one individual (Accession: SCV002120613.3). In silico analysis predicts that this variant has a deleterious effect. According to currently available evidence, this variant has been classified as of uncertain significance (VUS) (PM2_P, PM3, PP3_M).

Blueprint Genetics
Classification: Uncertain significance. Last evaluated: 2024-11-18. Review status: criteria provided, single submitter. Criteria: ACMG Guidelines, 2015. Collection method: clinical testing. Allele origin: germline.

Labcorp Genetics (formerly Invitae), Labcorp
Classification: Uncertain significance. Last evaluated: 2023-07-13. Review status: criteria provided, single submitter. Criteria: Invitae Variant Classification Sherloc (09022015). Collection method: clinical testing. Allele origin: germline.
Comment: This sequence change replaces glycine, which is neutral and non-polar, with arginine, which is basic and polar, at codon 119 of the RDH5 protein (p.Gly119Arg). This variant is present in population databases (rs778777287, gnomAD 0.009%). This missense change has been observed in individual(s) with retinitis albescens (Invitae). In at least one individual the data is consistent with being in trans (on the opposite chromosome) from a pathogenic variant. ClinVar contains an entry for this variant (Variation ID: 1359090). Advanced modeling of protein sequence and biophysical properties (such as structural, functional, and spatial information, amino acid conservation, physicochemical variation, residue mobility, and thermodynamic stability) has been performed at Invitae for this missense variant, however the output from this modeling did not meet the statistical confidence thresholds required to predict the impact of this variant on RDH5 protein function. In summary, the available evidence is currently insufficient to determine the role of this variant in disease. Therefore, it has been classified as a Variant of Uncertain Significance.

DBGen Ocular Genomics
Classification: Likely pathogenic for Retinal dystrophy. Last evaluated: 2023-01-01. Review status: criteria provided, single submitter. Criteria: ACMG Guidelines, 2015. Collection method: clinical testing. Allele origin: unknown. Inheritance: Autosomal recessive inheritance. Affected: yes.
Comment: Class 4 ACMG Guidelines, 2015